The following is an entry in ClinVar:

ClinVar aggregate classification (germline): Uncertain significance (1 of 4 stars; one submission).

gnomAD v4.1: 2 of 1,611,428 alleles (0.00012%); highest among the groups gnomAD compares: Non-Finnish European, 0.00017%; no homozygotes.

Submission:

GeneDx
Classification: Uncertain significance. Last evaluated: 2026-02-05. Review status: criteria provided, single submitter. Criteria: GeneDx Variant Classification Process June 2021. Collection method: clinical testing. Allele origin: germline.
Comment: Not observed at significant frequency in large population cohorts (gnomAD); In silico analysis suggests that this missense variant does not alter protein structure/function; Has not been previously published as pathogenic or benign to our knowledge

NM_001079843.3(CASZ1):c.227C>A (p.Ala76Asp)

Gene: CASZ1 (castor zinc finger 1; minus strand). Cytogenetic location: 1p36.22.
Variant type: single nucleotide variant.
Coding change: c.227C>A on transcript NM_001079843.3 (MANE Select); coding-DNA position 227, C replaced by A.
Protein change: p.Ala76Asp; replaces alanine 76 with aspartic acid.
Molecular consequence: missense variant.
Genome position (GRCh38, 1-based): chr1:10,665,361, G>T on the plus strand (C>A on the coding strand, the complement: CASZ1 is on the minus strand). VCF-style: chr1-10665361-G-T. GRCh37 (hg19) VCF-style: chr1-10725418-G-T.
Other names: c.227C>A, p.Ala76Asp (NM_017766.5); short protein forms A76D.
Identifiers: ClinVar variation 3906332 (VCV003906332.2).